The following is an entry in ClinVar:

NM_015166.4(MLC1):c.*215C>T

Gene: MLC1 (modulator of VRAC current 1; minus strand). Cytogenetic location: 22q13.33.
Variant type: single nucleotide variant.
Coding change: c.*215C>T on transcript NM_015166.4 (MANE Select); 215 bases downstream of the stop codon, C replaced by T.
Molecular consequence: 3 prime UTR variant. On other transcripts: intron variant (2).
Genome position (GRCh38, 1-based): chr22:50,061,368, G>A on the plus strand (C>T on the coding strand, the complement: MLC1 is on the minus strand). VCF-style: chr22-50061368-G-A. GRCh37 (hg19) VCF-style: chr22-50499797-G-A.
Other names: c.*215C>T (NM_001376472.1, NM_001376473.1, NM_001376474.1 and 9 more transcripts); c.*45+170C>T (NM_001376478.1, NM_001376477.1).
Identifiers: ClinVar variation 901915 (VCV000901915.4), dbSNP rs148160537, ClinGen allele CA325479392.
Genomic context (GRCh38, chr22:50,061,368, plus strand): 5'-CCCTTCCTCGGCCTGGGAAGTTGCGGCCATGCTCCTGCTGTTACGACACGGGAGCCACTC[G>A]GAGCTGACTGATCTCACTGAGGCACAGACTAGCCAACATTGGCCTATTTTAAAATTAAAC-3'

ClinVar aggregate classification (germline): Likely benign (1 of 4 stars; one submission).

Conditions:
Megalencephalic leukoencephalopathy with subcortical cysts 1 (MLC1). Also called: LEUKOENCEPHALOPATHY WITH SWELLING AND CYSTS; VACUOLATING MEGALENCEPHALIC LEUKOENCEPHALOPATHY WITH SUBCORTICAL CYSTS. Identifiers: Orphanet 2478, MedGen C5779875, MONDO:0024555, OMIM 604004.

Allele frequency attached by ClinVar (database versions not stated): 1000 Genomes Project 30x 0.00328; 1000 Genomes Project 0.00339; gnomAD 0.00681 and 0.00690; TOPMed 0.00722.

Submission:

Illumina Laboratory Services, Illumina
Classification: Likely benign for Megalencephalic leukoencephalopathy with subcortical cysts 1. Last evaluated: 2018-01-13. Review status: criteria provided, single submitter. Criteria: ICSL Variant Classification Criteria 13 December 2019. Collection method: clinical testing. Allele origin: germline.
Comment: This variant was observed in the ICSL laboratory as part of a predisposition screen in an ostensibly healthy population. It had not been previously curated by ICSL or reported in the Human Gene Mutation Database (HGMD: prior to June 1st, 2018), and was therefore a candidate for classification through an automated scoring system. Utilizing variant allele frequency, disease prevalence and penetrance estimates, and inheritance mode, an automated score was calculated to assess if this variant is too frequent to cause the disease. Based on the score and internal cut-off values, a variant classified as likely benign is not then subjected to further curation. The score for this variant resulted in a classification of likely benign for this disease.